The following is an entry in ClinVar:

ClinVar aggregate classification (germline): Uncertain significance. Review status: criteria provided, multiple submitters, no conflicts (2 of 4 stars). 2 submissions from 2 submitters: Uncertain significance (2). Last evaluated 2026-07-06.

Conditions:
Hereditary cancer-predisposing syndrome. Also called: Tumor predisposition; Hereditary Cancer Syndrome; Hereditary neoplastic syndrome; Neoplastic Syndromes, Hereditary. Identifiers: Orphanet 140162, MedGen C0027672, MeSH D009386, MONDO:0015356.

Submissions (2):

Ambry Genetics
Classification: Uncertain significance for Hereditary cancer-predisposing syndrome. Last evaluated: 2026-07-06. Review status: criteria provided, single submitter. Criteria: Ambry Variant Classification Scheme 2023. Collection method: clinical testing. Allele origin: germline.
Comment: The p.H817Q variant (also known as c.2451T>G), located in coding exon 18 of the MSH3 gene, results from a T to G substitution at nucleotide position 2451. The histidine at codon 817 is replaced by glutamine, an amino acid with highly similar properties. This amino acid position is conserved. In addition, the in silico prediction for this alteration is inconclusive. Based on the available evidence, the clinical significance of this variant remains unclear.

Labcorp Genetics (formerly Invitae), Labcorp
Classification: Uncertain significance. Last evaluated: 2018-05-02. Review status: criteria provided, single submitter. Criteria: Invitae Variant Classification Sherloc (09022015). Collection method: clinical testing. Allele origin: germline.
Comment: This variant is not present in population databases (ExAC no frequency). In summary, the available evidence is currently insufficient to determine the role of this variant in disease. Therefore, it has been classified as a Variant of Uncertain Significance. Algorithms developed to predict the effect of missense changes on protein structure and function (SIFT, PolyPhen-2, Align-GVGD) all suggest that this variant is likely to be tolerated, but these predictions have not been confirmed by published functional studies and their clinical significance is uncertain. This variant has not been reported in the literature in individuals with MSH3-related disease. This sequence change replaces histidine with glutamine at codon 817 of the MSH3 protein (p.His817Gln). The histidine residue is moderately conserved and there is a small physicochemical difference between histidine and glutamine.

NM_002439.5(MSH3):c.2451T>G (p.His817Gln)

Gene: MSH3 (mutS homolog 3; plus strand). Cytogenetic location: 5q14.1.
Variant type: single nucleotide variant.
Coding change: c.2451T>G on transcript NM_002439.5 (MANE Select); coding-DNA position 2451, T replaced by G.
Protein change: p.His817Gln; replaces histidine 817 with glutamine.
Molecular consequence: missense variant.
Genome position (GRCh38, 1-based): chr5:80,787,580, T>G. VCF-style: chr5-80787580-T-G. GRCh37 (hg19) VCF-style: chr5-80083399-T-G.
Other names: c.2451T>G (NM_002439.3); short protein forms H817Q.
Identifiers: ClinVar variation 1059752 (VCV001059752.10), dbSNP rs1744531380, ClinGen allele CA360282998.